The following is an entry in ClinVar:

NM_001849.4(COL6A2):c.954G>C (p.Lys318Asn)

Gene: COL6A2 (collagen type VI alpha 2 chain; plus strand). Cytogenetic location: 21q22.3.
Variant type: single nucleotide variant.
Coding change: c.954G>C on transcript NM_001849.4 (MANE Select); coding-DNA position 954, G replaced by C.
Protein change: p.Lys318Asn; replaces lysine 318 with asparagine.
Molecular consequence: missense variant.
Genome position (GRCh38, 1-based): chr21:46,116,677, G>C. VCF-style: chr21-46116677-G-C. GRCh37 (hg19) VCF-style: chr21-47536591-G-C.
Other names: c.954G>C, p.Lys318Asn (NM_058174.3, NM_058175.3); short protein forms K318N.
Identifiers: ClinVar variation 1073867 (VCV001073867.9), dbSNP rs878854362, ClinGen allele CA410527027.

ClinVar aggregate classification (germline): Pathogenic (1 of 4 stars; one submission).

Conditions:
Bethlem myopathy 1A. Also called: MYOPATHY, BENIGN CONGENITAL, WITH CONTRACTURES; Bethlem Muscular Dystrophy; Bethlem myopathy 1. Identifiers: Orphanet 610, MedGen CN029274, MONDO:0024530, OMIM 158810.

Submission:

Labcorp Genetics (formerly Invitae), Labcorp
Classification: Pathogenic for Bethlem myopathy 1A. Last evaluated: 2022-07-25. Review status: criteria provided, single submitter. Criteria: Invitae Variant Classification Sherloc (09022015). Collection method: clinical testing. Allele origin: germline.
Comment: This variant is not present in population databases (gnomAD no frequency). For these reasons, this variant has been classified as Pathogenic. This variant disrupts the c.954G nucleotide in the COL6A2 gene. Other variant(s) that disrupt this nucleotide have been determined to be pathogenic (PMID: 20976770). This suggests that this nucleotide is clinically significant, and that variants that disrupt this position are likely to be disease-causing. Variants that disrupt the consensus splice site are a relatively common cause of aberrant splicing (PMID: 17576681, 9536098). Algorithms developed to predict the effect of sequence changes on RNA splicing suggest that this variant may disrupt the consensus splice site. Algorithms developed to predict the effect of missense changes on protein structure and function are either unavailable or do not agree on the potential impact of this missense change (SIFT: "Deleterious"; PolyPhen-2: "Probably Damaging"; Align-GVGD: "Class C0"). ClinVar contains an entry for this variant (Variation ID: 1073867). This missense change has been observed in individual(s) with clinical features of COL6A2-related conditions (Invitae). This sequence change replaces lysine, which is basic and polar, with asparagine, which is neutral and polar, at codon 318 of the COL6A2 protein (p.Lys318Asn). This variant also falls at the last nucleotide of exon 9, which is part of the consensus splice site for this exon.

Literature cited by the submitters: PubMed 20976770; PubMed 17576681; PubMed 9536098.